The following is an entry in ClinVar:

NM_201384.3(PLEC):c.2064G>A (p.Pro688=)

Gene: PLEC (plectin; minus strand). Cytogenetic location: 8q24.3.
Variant type: single nucleotide variant.
Coding change: c.2064G>A on transcript NM_201384.3 (MANE Select); coding-DNA position 2064, G replaced by A.
Protein change: p.Pro688=; no amino-acid change (proline 688 retained).
Molecular consequence: synonymous variant.
Genome position (GRCh38, 1-based): chr8:143,932,148, C>T on the plus strand (G>A on the coding strand, the complement: PLEC is on the minus strand). VCF-style: chr8-143932148-C-T. GRCh37 (hg19) VCF-style: chr8-145006316-C-T.
Other names: c.2145G>A, p.Pro715= (NM_000445.5); c.2022G>A, p.Pro674= (NM_201378.4); c.1998G>A, p.Pro666= (NM_201379.3); c.2475G>A, p.Pro825= (NM_201380.4); c.1968G>A, p.Pro656= (NM_201381.3); c.2064G>A, p.Pro688= (NM_201382.4); c.2076G>A, p.Pro692= (NM_201383.3).
Identifiers: ClinVar variation 506522 (VCV000506522.17), dbSNP rs374590279, ClinGen allele CA4927719.

ClinVar aggregate classification (germline): Conflicting classifications of pathogenicity. Review status: criteria provided, conflicting classifications (1 of 4 stars). 6 submissions from 6 submitters: Uncertain significance (1); Benign (1); Likely benign (3). 1 of the submissions does not count toward it. Last evaluated 2025-12-16.

Conditions:
Epidermolysis bullosa simplex 5B, with muscular dystrophy (EBS5B). Also called: EPIDERMOLYSIS BULLOSA SIMPLEX AND LIMB-GIRDLE MUSCULAR DYSTROPHY; Epidermolysis bullosa simplex with muscular dystrophy. Identifiers: Orphanet 257, MedGen C2931072, MONDO:0009181, OMIM 226670.
Autosomal recessive limb-girdle muscular dystrophy type 2Q (LGMDR17). Also called: MUSCULAR DYSTROPHY, LIMB-GIRDLE, AUTOSOMAL RECESSIVE 17. Identifiers: Orphanet 254361, MedGen C3150989, MONDO:0013390, OMIM 613723.
Epidermolysis bullosa simplex, Ogna type (EBS5A). Also called: Pidermolysis bullosa simplex 5A, Ogna type; EPIDERMOLYSIS BULLOSA SIMPLEX 5A, OGNA TYPE. Identifiers: Orphanet 79401, MedGen C0432317, MONDO:0007555, OMIM 131950.
Epidermolysis bullosa simplex with nail dystrophy (EBS5D). Identifiers: MedGen C4225309, MONDO:0014661, OMIM 616487.
Epidermolysis bullosa simplex 5C, with pyloric atresia (EBS5C). Also called: PLEC-Related Epidermolysis Bullosa with Pyloric Atresia; Epidermolysis bullosa simplex with pyloric atresia; PLEC1-Related Epidermolysis Bullosa with Pyloric Atresia. Identifiers: Orphanet 158684, MedGen C2677349, MONDO:0012807, OMIM 612138.
PLEC-related disorder. Also called: PLEC-related condition; PLEC-related disorders.

Allele frequency attached by ClinVar (database versions not stated): ESP Exome Variant Server 0.00009; gnomAD 0.00010 and 0.00011; gnomAD exomes 0.00013 and 0.00016; TOPMed 0.00014; ExAC 0.00015.
gnomAD v4.1: 208 of 1,611,440 alleles (0.013%); highest among the groups gnomAD compares: Admixed American, 0.027%; no homozygotes.

Submissions (6):

Labcorp Genetics (formerly Invitae), Labcorp
Classification: Likely benign for Autosomal recessive limb-girdle muscular dystrophy type 2Q; Epidermolysis bullosa simplex, Ogna type; Epidermolysis bullosa simplex with nail dystrophy; Epidermolysis bullosa simplex 5C, with pyloric atresia; Epidermolysis bullosa simplex 5B, with muscular dystrophy. Last evaluated: 2025-12-16. Review status: criteria provided, single submitter. Criteria: Invitae Variant Classification Sherloc (09022015). Collection method: clinical testing. Allele origin: germline.

Blueprint Genetics
Classification: Likely benign. Last evaluated: 2024-03-18. Review status: criteria provided, single submitter. Criteria: ACMG Guidelines, 2015. Collection method: clinical testing. Allele origin: germline.

Athena Diagnostics
Classification: Benign. Last evaluated: 2020-03-04. Review status: criteria provided, single submitter. Criteria: Athena Diagnostics Criteria. Collection method: clinical testing. Allele origin: unknown.

Eurofins Ntd Llc (ga)
Classification: Uncertain significance. Last evaluated: 2018-07-27. Review status: criteria provided, single submitter. Criteria: EGL ClinVar v180209 classification definitions. Collection method: clinical testing. Allele origin: germline. Observed: 2 variant alleles, 2 heterozygotes.

GeneDx
Classification: Likely benign. Last evaluated: 2017-12-08. Review status: criteria provided, single submitter. Criteria: GeneDx Variant Classification (06012015). Collection method: clinical testing. Allele origin: germline. Affected: yes.
Comment: This variant is considered likely benign or benign based on one or more of the following criteria: it is a conservative change, it occurs at a poorly conserved position in the protein, it is predicted to be benign by multiple in silico algorithms, and/or has population frequency not consistent with disease.

PreventionGenetics, part of Exact Sciences
Classification: Likely benign for PLEC-related condition. Last evaluated: 2019-06-10. Review status: no assertion criteria provided. Collection method: clinical testing. Allele origin: germline. Not counted in ClinVar's aggregate classification.
Comment: This variant is classified as likely benign based on ACMG/AMP sequence variant interpretation guidelines (Richards et al. 2015 PMID: 25741868, with internal and published modifications).